The following is an entry in ClinVar:

ClinVar aggregate classification (germline): Conflicting classifications of pathogenicity. Review status: criteria provided, conflicting classifications (1 of 4 stars). 2 submissions from 2 submitters: Likely pathogenic (1); Uncertain significance (1). Last evaluated 2025-11-17.

Conditions:
Retinal dystrophy. Also called: Inherited retinal dystrophy. Identifiers: Orphanet 71862, MedGen C0854723, MeSH D058499, MONDO:0019118, HP:0000556.

gnomAD v4.1: 2 of 1,550,166 alleles (0.00013%); highest among the groups gnomAD compares: South Asian, 0.0024%; no homozygotes.

Submissions (2):

Women's Health and Genetics/Laboratory Corporation of America, LabCorp
Classification: Uncertain significance. Last evaluated: 2025-11-17. Review status: criteria provided, single submitter. Criteria: LabCorp Variant Classification Summary - May 2015. Collection method: clinical testing. Allele origin: germline.
Comment: Variant summary: EYS c.8050A>C (p.Thr2684Pro) results in a non-conservative amino acid change in the encoded protein sequence. Algorithms developed to predict the effect of missense changes on protein structure and function are either unavailable or do not agree on the potential impact of this missense change. The variant was absent in 156126 control chromosomes (gnomAD). c.8050A>C has been observed in one individual affected with Stargardt disease (Hitti-Malin_2024). These data indicate that the variant may be associated with disease. To our knowledge, no experimental evidence demonstrating an impact on protein function has been reported. The following publication have been ascertained in the context of this evaluation (PMID: 38540785). ClinVar contains an entry for this variant (Variation ID: 3381792). Based on the evidence outlined above, the variant was classified as VUS-possibly pathogenic.

Ophthalmic Genetics Group, Institute of Molecular and Clinical Ophthalmology Basel
Classification: Likely pathogenic for Retinal dystrophy. Last evaluated: 2024-05-27. Review status: criteria provided, single submitter. Criteria: ACMG Guidelines, 2015. Collection method: research. Allele origin: germline. Affected: yes. Observed: 2 variant alleles.
Comment: This variant was classified as Likely pathogenic based on ACMG criteria: PM2_mod and PP1_strong

Literature cited by the submitters: PubMed 38540785 (cited by Women's Health and Genetics/Laboratory Corporation of America, LabCorp); PubMed 40180963 (cited by Ophthalmic Genetics Group, Institute of Molecular and Clinical Ophthalmology Basel).

NM_001142800.2(EYS):c.8050A>C (p.Thr2684Pro)

Gene: EYS (EGF-like photoreceptor maintenance factor; minus strand). Cytogenetic location: 6q12.
Variant type: single nucleotide variant.
Coding change: c.8050A>C on transcript NM_001142800.2 (MANE Select); coding-DNA position 8050, A replaced by C.
Protein change: p.Thr2684Pro; replaces threonine 2684 with proline.
Molecular consequence: missense variant.
Genome position (GRCh38, 1-based): chr6:63,762,482, T>G on the plus strand (A>C on the coding strand, the complement: EYS is on the minus strand). VCF-style: chr6-63762482-T-G. GRCh37 (hg19) VCF-style: chr6-64472375-T-G.
Other names: NC_000006.11:g.64472375T>G; NP_001136272.1:p.(Thr2684Pro); c.8050A>C, p.Thr2684Pro (NM_001292009.2); short protein forms T2684P.
Identifiers: ClinVar variation 3381792 (VCV003381792.3).